The following is an entry in ClinVar:

ClinVar aggregate classification (germline): Benign (1 of 4 stars; one submission).

Allele frequency attached by ClinVar (database versions not stated): gnomAD 0.03444 and 0.03719; TOPMed 0.03982; 1000 Genomes Project 0.04233; 1000 Genomes Project 30x 0.04419.
gnomAD v4.1: 5,201 of 152,268 alleles (3.4%); highest among the groups gnomAD compares: African/African-American, 12%; 268 homozygotes.

Submission:

GeneDx
Classification: Benign. Last evaluated: 2018-06-14. Review status: criteria provided, single submitter. Criteria: GeneDx Variant Classification (06012015). Collection method: clinical testing. Allele origin: germline. Affected: yes.
Comment: This variant is considered likely benign or benign based on one or more of the following criteria: it is a conservative change, it occurs at a poorly conserved position in the protein, it is predicted to be benign by multiple in silico algorithms, and/or has population frequency not consistent with disease.

NM_006393.3(NEBL):c.369+266G>A

Gene: NEBL (nebulette; minus strand). Cytogenetic location: 10p12.31.
Variant type: single nucleotide variant.
Coding change: c.369+266G>A on transcript NM_006393.3 (MANE Select); 266 bases into the intron after coding-DNA position 369, G replaced by A.
Molecular consequence: intron variant.
Genome position (GRCh38, 1-based): chr10:20,887,831, C>T on the plus strand (G>A on the coding strand, the complement: NEBL is on the minus strand). VCF-style: chr10-20887831-C-T. GRCh37 (hg19) VCF-style: chr10-21176760-C-T.
Other names: c.249+73841G>A (NM_001377326.1, NM_001377327.1, NM_001377328.1); c.357+73841G>A (NM_213569.2, NM_001173484.2, NM_001377322.1); c.300+73841G>A (NM_001377324.1); c.291+73841G>A (NM_001377325.1); c.309+73841G>A (NM_001377323.1).
Identifiers: ClinVar variation 669546 (VCV000669546.1), dbSNP rs16921225, ClinGen allele CA204170820.